The following is an entry in ClinVar:

NM_000454.5(SOD1):c.63C>G (p.Phe21Leu)

Genes: SOD1-DT (SOD1 divergent transcript; minus strand), SOD1 (superoxide dismutase 1; plus strand). Cytogenetic location: 21q22.11.
Variant type: single nucleotide variant.
Coding change: c.63C>G on transcript NM_000454.5 (MANE Select); coding-DNA position 63, C replaced by G.
Protein change: p.Phe21Leu; replaces phenylalanine 21 with leucine.
Molecular consequence: missense variant.
Genome position (GRCh38, 1-based): chr21:31,659,832, C>G. VCF-style: chr21-31659832-C-G. GRCh37 (hg19) VCF-style: chr21-33032145-C-G.
Other names: short protein forms F21L.
Identifiers: ClinVar variation 859765 (VCV000859765.11), dbSNP rs1555836170, ClinGen allele CA410036078.

ClinVar aggregate classification (germline): Pathogenic/Likely pathogenic. Review status: criteria provided, multiple submitters, no conflicts (2 of 4 stars). 2 submissions from 2 submitters: Pathogenic (1); Likely pathogenic (1). Last evaluated 2024-09-27.

Conditions:
Spastic tetraplegia and axial hypotonia, progressive. Also called: SOD1 DEFICIENCY, AUTOSOMAL RECESSIVE. Identifiers: MedGen C5231422, MONDO:0032828, OMIM 618598.
Amyotrophic lateral sclerosis type 1 (ALS1). Also called: AMYOTROPHIC LATERAL SCLEROSIS 1, FAMILIAL. Identifiers: Orphanet 803, MedGen C1862939, MONDO:0007103, OMIM 105400.

gnomAD v4.1: 1 of 1,613,522 alleles (0.000062%); no homozygotes.

Submissions (2):

Labcorp Genetics (formerly Invitae), Labcorp
Classification: Pathogenic for Amyotrophic lateral sclerosis type 1. Last evaluated: 2024-09-27. Review status: criteria provided, single submitter. Criteria: Invitae Variant Classification Sherloc (09022015). Collection method: clinical testing. Allele origin: germline.
Comment: This sequence change replaces phenylalanine, which is neutral and non-polar, with leucine, which is neutral and non-polar, at codon 21 of the SOD1 protein (p.Phe21Leu). This variant is not present in population databases (gnomAD no frequency). This missense change has been observed in individuals with clinical features of autosomal dominant amyotrophic lateral sclerosis (PMID: 22722621; internal data). This variant is also known as F20L. ClinVar contains an entry for this variant (Variation ID: 859765). Invitae Evidence Modeling of protein sequence and biophysical properties (such as structural, functional, and spatial information, amino acid conservation, physicochemical variation, residue mobility, and thermodynamic stability) indicates that this missense variant is expected to disrupt SOD1 protein function with a positive predictive value of 95%. Experimental studies have shown that this missense change affects SOD1 function (PMID: 36376198). This variant disrupts the p.Phe21 amino acid residue in SOD1. Other variant(s) that disrupt this residue have been determined to be pathogenic (PMID: 14506936, 17453632, 22244934, 22292843, 23280792, 25109764). This suggests that this residue is clinically significant, and that variants that disrupt this residue are likely to be disease-causing. For these reasons, this variant has been classified as Pathogenic.

Fulgent Genetics
Classification: Likely pathogenic for Amyotrophic lateral sclerosis type 1; Spastic tetraplegia and axial hypotonia, progressive. Last evaluated: 2024-02-09. Review status: criteria provided, single submitter. Criteria: ACMG Guidelines, 2015. Collection method: clinical testing. Allele origin: germline.

Literature cited by the submitters: PubMed 22722621 (cited by Labcorp Genetics (formerly Invitae), Labcorp); PubMed 36376198 (cited by Labcorp Genetics (formerly Invitae), Labcorp); PubMed 14506936 (cited by Labcorp Genetics (formerly Invitae), Labcorp); PubMed 17453632 (cited by Labcorp Genetics (formerly Invitae), Labcorp); PubMed 22244934 (cited by Labcorp Genetics (formerly Invitae), Labcorp); PubMed 22292843 (cited by Labcorp Genetics (formerly Invitae), Labcorp); PubMed 23280792 (cited by Labcorp Genetics (formerly Invitae), Labcorp); PubMed 25109764 (cited by Labcorp Genetics (formerly Invitae), Labcorp).